The following is an entry in ClinVar:

ClinVar aggregate classification (germline): Pathogenic. Review status: criteria provided, multiple submitters, no conflicts (2 of 4 stars). 4 submissions from 4 submitters: Pathogenic (3). 1 of the submissions does not count toward it. Last evaluated 2025-01-29.

Conditions:
Autosomal recessive nonsyndromic hearing loss 2. Also called: DEAFNESS, AUTOSOMAL RECESSIVE 2; NEUROSENSORY NONSYNDROMIC RECESSIVE DEAFNESS 2. Identifiers: Orphanet 90636, MedGen C1838701, MONDO:0010807, OMIM 600060.
Usher syndrome type 1B (USH1B). Also called: Usher syndrome type IB. Identifiers: MedGen C1848638, MONDO:0700087.
Autosomal dominant nonsyndromic hearing loss 11. Identifiers: Orphanet 90635, MedGen C1832475, MONDO:0011032, OMIM 601317.
Usher syndrome type 1 (USH1). Also called: RETINITIS PIGMENTOSA AND CONGENITAL DEAFNESS. Identifiers: Orphanet 231169, Orphanet 886, MedGen C1568247, MONDO:0010168, OMIM 276900.

gnomAD v4.1: 1 of 1,590,632 alleles (0.000063%); highest among the groups gnomAD compares: East Asian, 0.0023%; no homozygotes.

Submissions (4):

Natera, Inc.
Classification: Pathogenic for Usher syndrome type 1B. Last evaluated: 2025-01-29. Review status: criteria provided, single submitter. Criteria: Natera Variant Classification Schema (03/2026). Collection method: clinical testing. Allele origin: germline.
Comment: The c.6126C>G variant in MYO7A is a nonsense variant predicted to introduce a stop codon at amino acid 2042. This variant is expected to result in nonsense mediated decay, truncation, or a dysfunctional protein product. This variant is rare in the general population with a frequency below the threshold expected for the associated phenotype(s). This variant has been observed in one or more individuals affected with the associated recessive disease, as either homozygous or compound heterozygous with a second variant (PMID: 35982127, 35761346). Given the available evidence, this variant is classified as Pathogenic.

Fulgent Genetics
Classification: Pathogenic for Usher syndrome type 1; Autosomal recessive nonsyndromic hearing loss 2; Autosomal dominant nonsyndromic hearing loss 11. Last evaluated: 2024-01-17. Review status: criteria provided, single submitter. Criteria: ACMG Guidelines, 2015. Collection method: clinical testing. Allele origin: germline.

Labcorp Genetics (formerly Invitae), Labcorp
Classification: Pathogenic. Last evaluated: 2020-10-15. Review status: criteria provided, single submitter. Criteria: Invitae Variant Classification Sherloc (09022015). Collection method: clinical testing. Allele origin: germline.
Comment: For these reasons, this variant has been classified as Pathogenic. Loss-of-function variants in MYO7A are known to be pathogenic (PMID: 8900236, 25404053). This variant has not been reported in the literature in individuals with MYO7A-related conditions. This variant is not present in population databases (ExAC no frequency). This sequence change creates a premature translational stop signal (p.Tyr2042*) in the MYO7A gene. It is expected to result in an absent or disrupted protein product.

Deafness Molecular Diagnostic Center, Chinese PLA General Hospital
Classification: Pathogenic for Autosomal recessive nonsyndromic hearing loss 2. Review status: no assertion criteria provided. Criteria: ACMG Guidelines, 2015. Collection method: case-control. Allele origin: maternal. Affected: yes. Not counted in ClinVar's aggregate classification.

Literature cited by the submitters: PubMed 35982127 (cited by Natera, Inc.); PubMed 35761346 (cited by Natera, Inc.); PubMed 8900236 (cited by Labcorp Genetics (formerly Invitae), Labcorp); PubMed 25404053 (cited by Labcorp Genetics (formerly Invitae), Labcorp).

NM_000260.4(MYO7A):c.6126C>G (p.Tyr2042Ter)

Gene: MYO7A (myosin VIIA; plus strand). Cytogenetic location: 11q13.5.
Variant type: single nucleotide variant.
Coding change: c.6126C>G on transcript NM_000260.4 (MANE Select); coding-DNA position 6126, C replaced by G.
Protein change: p.Tyr2042Ter; replaces tyrosine 2042 with a stop codon.
Molecular consequence: nonsense.
Genome position (GRCh38, 1-based): chr11:77,211,226, C>G. VCF-style: chr11-77211226-C-G. GRCh37 (hg19) VCF-style: chr11-76922271-C-G.
Other names: c.6012C>G, p.Tyr2004Ter (NM_001127180.2); c.5979C>G, p.Tyr1993Ter (NM_001369365.1); c.6126C>G (NM_000260.3); short protein forms Y1993*, Y2004*, Y2042*.
Identifiers: ClinVar variation 1076122 (VCV001076122.11), dbSNP rs1957844295, ClinGen allele CA381935843.